The following is an entry in ClinVar:

ClinVar aggregate classification (germline): Uncertain significance (1 of 4 stars; one submission).

Conditions:
Autosomal dominant limb-girdle muscular dystrophy type 1D (DNAJB6) (LGMDD1). Also called: MUSCULAR DYSTROPHY, LIMB-GIRDLE, TYPE 1D; MUSCULAR DYSTROPHY, AUTOSOMAL DOMINANT, WITH RIMMED VACUOLES; Autosomal dominant limb-girdle muscular dystrophy type 1D; Muscular dystrophy, limb-girdle, autosomal dominant 1. Identifiers: Orphanet 34516, MedGen C4721885, MONDO:0021018, OMIM 603511.

Submission:

Labcorp Genetics (formerly Invitae), Labcorp
Classification: Uncertain significance for Autosomal dominant limb-girdle muscular dystrophy type 1D (DNAJB6). Last evaluated: 2023-12-21. Review status: criteria provided, single submitter. Criteria: Invitae Variant Classification Sherloc (09022015). Collection method: clinical testing. Allele origin: germline.
Comment: This sequence change falls in intron 7 of the DNAJB6 gene. It does not directly change the encoded amino acid sequence of the DNAJB6 protein. Information on the frequency of this variant in the gnomAD database is not available, as this variant may be reported differently in the database. This variant has not been reported in the literature in individuals affected with DNAJB6-related conditions. Experimental studies and prediction algorithms are not available or were not evaluated, and the effect of this variant on mRNA splicing is currently unknown. In summary, the available evidence is currently insufficient to determine the role of this variant in disease. Therefore, it has been classified as a Variant of Uncertain Significance.

NM_058246.4(DNAJB6):c.620+16_620+17delinsAT

Gene: DNAJB6 (DnaJ heat shock protein family (Hsp40) member B6; plus strand). Cytogenetic location: 7q36.3.
Variant type: Indel.
Coding change: c.620+16_620+17delinsAT on transcript NM_058246.4 (MANE Select); bases 16 to 17 of the intron after coding-DNA position 620, GC replaced by AT.
Molecular consequence: intron variant.
Genome position (GRCh38, 1-based): chr7:157,385,024-157,385,025, GC replaced by AT. VCF-style: chr7-157385024-GC-AT. GRCh37 (hg19) VCF-style: chr7-157177718-GC-AT.
Other names: c.346+17541_346+17542delinsAT (NM_001363676.1); c.620+16_620+17delinsAT (NM_005494.3).
Identifiers: ClinVar variation 2704387 (VCV002704387.3), dbSNP rs2536099155, ClinGen allele CA2697549719.